The following is an entry in ClinVar:

NM_177438.3(DICER1):c.2638C>T (p.Pro880Ser)

Gene: DICER1 (dicer 1, ribonuclease III; minus strand). Cytogenetic location: 14q32.13.
Variant type: single nucleotide variant.
Coding change: c.2638C>T on transcript NM_177438.3 (MANE Select); coding-DNA position 2638, C replaced by T.
Protein change: p.Pro880Ser; replaces proline 880 with serine.
Molecular consequence: missense variant. On other transcripts: non-coding transcript variant (6).
Genome position (GRCh38, 1-based): chr14:95,107,892, G>A on the plus strand (C>T on the coding strand, the complement: DICER1 is on the minus strand). VCF-style: chr14-95107892-G-A. GRCh37 (hg19) VCF-style: chr14-95574229-G-A.
Other names: c.2638C>T, p.Pro880Ser (NM_001395695.1, NM_030621.4, NM_001195573.1 and 13 more transcripts); c.2233C>T, p.Pro745Ser (NM_001395696.1, NM_001395687.1, NM_001395688.1 and 2 more transcripts); c.955C>T, p.Pro319Ser (NM_001395697.1); c.2356C>T, p.Pro786Ser (NM_001395686.1); c.2071C>T, p.Pro691Ser (NM_001395691.1); short protein forms P880S, P786S, P691S, P745S, P319S.
Identifiers: ClinVar variation 1958740 (VCV001958740.5), dbSNP rs1891587886, ClinGen allele CA390881151.
Genomic context (GRCh38, chr14:95,107,892, plus strand): 5'-GTTTGTATATGTGTCTAGAGTTATCAAAGTAAGAGATTTTTTTCTTACCAACATTAAGAG[G>A]TAGAACACAGTATGCTGAATCAGCGTCTGTAGGTTTAAATTCTAGTGCAGGTTTTTCAAG-3'
Protein context (NP_803187.1, residues 870-890): TDADSAYCVL[Pro880Ser]LNVVNDSSTL

ClinVar aggregate classification (germline): Uncertain significance (1 of 4 stars; one submission).

Conditions:
DICER1-related tumor predisposition. Also called: DICER1-related pleuropulmonary blastoma cancer predisposition syndrome; DICER1 syndrome. Identifiers: Orphanet 284343, MedGen C3839822, MONDO:0100216.

Submission:

Labcorp Genetics (formerly Invitae), Labcorp
Classification: Uncertain significance for DICER1-related tumor predisposition. Last evaluated: 2024-04-18. Review status: criteria provided, single submitter. Criteria: Invitae Variant Classification Sherloc (09022015). Collection method: clinical testing. Allele origin: germline.
Comment: This sequence change replaces proline, which is neutral and non-polar, with serine, which is neutral and polar, at codon 880 of the DICER1 protein (p.Pro880Ser). This variant is not present in population databases (gnomAD no frequency). This variant has not been reported in the literature in individuals affected with DICER1-related conditions. ClinVar contains an entry for this variant (Variation ID: 1958740). Advanced modeling of protein sequence and biophysical properties (such as structural, functional, and spatial information, amino acid conservation, physicochemical variation, residue mobility, and thermodynamic stability) performed at Invitae indicates that this missense variant is expected to disrupt DICER1 protein function with a positive predictive value of 80%. In summary, the available evidence is currently insufficient to determine the role of this variant in disease. Therefore, it has been classified as a Variant of Uncertain Significance.